The following is an entry in ClinVar:

ClinVar aggregate classification (germline): Pathogenic (1 of 4 stars; one submission).

Conditions:
Gray platelet syndrome (GPS). Also called: BLEEDING DISORDER, PLATELET-TYPE, 4. Identifiers: Orphanet 721, MedGen C0272302, MONDO:0007686, OMIM 139090.

Submission:

NIHR Bioresource Rare Diseases, University of Cambridge
Classification: Pathogenic for Gray platelet syndrome. Last evaluated: 2020-03-01. Review status: criteria provided, single submitter. Criteria: ACMG Guidelines, 2015. Collection method: research. Allele origin: unknown. Inheritance: Autosomal recessive inheritance. Affected: yes. Observed: 1 compound heterozygote.
Comment: ACMG criteria: PVS1, PM2, PP4

Literature cited by the submitters: PubMed 32693407.

NM_015175.3(NBEAL2):c.6568del (p.Cys2190fs)

Gene: NBEAL2 (neurobeachin like 2; plus strand). Cytogenetic location: 3p21.31.
Variant type: Deletion.
Coding change: c.6568del on transcript NM_015175.3 (MANE Select); coding-DNA position 6568, one base deleted (T; older notation c.6568delT).
Protein change: p.Cys2190fs; shifts the reading frame from cysteine 2190.
Molecular consequence: frameshift variant.
Genome position (GRCh38, 1-based): chr3:47,005,496, T deleted. VCF-style (leftmost placement, unchanged base first): chr3-47005495-CT-C. GRCh37 (hg19) VCF-style: chr3-47046985-CT-C.
Other names: c.6466del, p.Cys2156fs (NM_001365116.2); short protein forms C2156fs, C2190fs.
Identifiers: ClinVar variation 982280 (VCV000982280.1), dbSNP rs2037363765, ClinGen allele CA1139658044.